The following is an entry in ClinVar:

NM_001291303.3(FAT4):c.1291A>C (p.Ile431Leu)

Gene: FAT4 (FAT atypical cadherin 4; plus strand). Cytogenetic location: 4q28.1.
Variant type: single nucleotide variant.
Coding change: c.1291A>C on transcript NM_001291303.3 (MANE Select); coding-DNA position 1291, A replaced by C.
Protein change: p.Ile431Leu; replaces isoleucine 431 with leucine.
Molecular consequence: missense variant.
Genome position (GRCh38, 1-based): chr4:125,317,702, A>C. VCF-style: chr4-125317702-A-C. GRCh37 (hg19) VCF-style: chr4-126238857-A-C.
Other names: c.1291A>C, p.Ile431Leu (NM_001291285.3, NM_024582.6); short protein forms I431L.
Identifiers: ClinVar variation 1409700 (VCV001409700.6), dbSNP rs2125940000, ClinGen allele CA358117601.
Genomic context (GRCh38, chr4:125,317,702, plus strand): 5'-AGCAGCAAAGTGCCGAACCTGAGCCTAATCAAGGTGGCCAGCGCCTTGGACCGCGAGCGC[A>C]TCCCTTCCTACAACCTCACAGTTTCCGTCTCTGATAACTACGGGGCGCCCCCTGGCGCAG-3'
Protein context (NP_001278232.1, residues 421-441): KVASALDRER[Ile431Leu]PSYNLTVSVS

ClinVar aggregate classification (germline): Uncertain significance (1 of 4 stars; one submission).

Submission:

Labcorp Genetics (formerly Invitae), Labcorp
Classification: Uncertain significance. Last evaluated: 2024-01-24. Review status: criteria provided, single submitter. Criteria: Invitae Variant Classification Sherloc (09022015). Collection method: clinical testing. Allele origin: germline.
Comment: This sequence change replaces isoleucine, which is neutral and non-polar, with leucine, which is neutral and non-polar, at codon 431 of the FAT4 protein (p.Ile431Leu). This variant is not present in population databases (gnomAD no frequency). This variant has not been reported in the literature in individuals affected with FAT4-related conditions. ClinVar contains an entry for this variant (Variation ID: 1409700). Advanced modeling of protein sequence and biophysical properties (such as structural, functional, and spatial information, amino acid conservation, physicochemical variation, residue mobility, and thermodynamic stability) performed at Invitae indicates that this missense variant is not expected to disrupt FAT4 protein function with a negative predictive value of 95%. In summary, the available evidence is currently insufficient to determine the role of this variant in disease. Therefore, it has been classified as a Variant of Uncertain Significance.